The following is an entry in ClinVar:

NM_014000.3(VCL):c.*646C>G

Gene: VCL (vinculin; plus strand). Cytogenetic location: 10q22.2.
Variant type: single nucleotide variant.
Coding change: c.*646C>G on transcript NM_014000.3 (MANE Select); 646 bases downstream of the stop codon, C replaced by G.
Molecular consequence: 3 prime UTR variant.
Genome position (GRCh38, 1-based): chr10:74,118,815, C>G. VCF-style: chr10-74118815-C-G. GRCh37 (hg19) VCF-style: chr10-75878573-C-G.
Other names: c.*646C>G (NM_003373.4).
Identifiers: ClinVar variation 879717 (VCV000879717.29), dbSNP rs41280414, ClinGen allele CA209701549.

ClinVar aggregate classification (germline): Conflicting classifications of pathogenicity. Review status: criteria provided, conflicting classifications (1 of 4 stars). 3 submissions from 3 submitters: Uncertain significance (2); Benign (1). Last evaluated 2022-07-01.

Conditions:
Dilated cardiomyopathy 1W (CMD1W). Identifiers: Orphanet 154, MedGen C1969639, MONDO:0012667, OMIM 611407.
Hypertrophic cardiomyopathy 15. Identifiers: MedGen C2750459, MONDO:0013200, OMIM 613255.

Allele frequency attached by ClinVar (database versions not stated): 1000 Genomes Project 0.00040; 1000 Genomes Project 30x 0.00062; gnomAD 0.00098 and 0.00112; gnomAD exomes 0.00099; TOPMed 0.00112.
gnomAD v4.1: 181 of 158,568 alleles (0.11%); highest among the groups gnomAD compares: Middle Eastern, 0.34%; no homozygotes.

Submissions (3):

CeGaT Center for Human Genetics Tuebingen
Classification: Benign. Last evaluated: 2022-07-01. Review status: criteria provided, single submitter. Criteria: CeGaT Center For Human Genetics Tuebingen Variant Classification Criteria Version 2. Collection method: clinical testing. Allele origin: germline. Affected: yes. Observed: 1 variant allele.
Comment: VCL: BS1, BS2

Fulgent Genetics
Classification: Uncertain significance for Dilated cardiomyopathy 1W; Hypertrophic cardiomyopathy 15. Last evaluated: 2021-08-24. Review status: criteria provided, single submitter. Criteria: ACMG Guidelines, 2015. Collection method: clinical testing. Allele origin: unknown.

Illumina Laboratory Services, Illumina
Classification: Uncertain significance for Dilated cardiomyopathy 1W. Last evaluated: 2018-01-13. Review status: criteria provided, single submitter. Criteria: ICSL Variant Classification Criteria 13 December 2019. Collection method: clinical testing. Allele origin: germline.